The following is an entry in ClinVar:

ClinVar aggregate classification (germline): Uncertain significance (1 of 4 stars; one submission).

Conditions:
Inborn genetic diseases. Identifiers: MedGen C0950123, MeSH D030342.

Submission:

Ambry Genetics
Classification: Uncertain significance for Inborn genetic diseases. Last evaluated: 2024-11-21. Review status: criteria provided, single submitter. Criteria: Ambry Variant Classification Scheme 2023. Collection method: clinical testing. Allele origin: germline.
Comment: The p.V42L variant (also known as c.124G>T), located in coding exon 1 of the SAMD9L gene, results from a G to T substitution at nucleotide position 124. The valine at codon 42 is replaced by leucine, an amino acid with highly similar properties. This amino acid position is conserved. In addition, the in silico prediction for this alteration is inconclusive. Based on the available evidence, the clinical significance of this variant remains unclear.

NM_152703.5(SAMD9L):c.124G>T (p.Val42Leu)

Gene: SAMD9L (sterile alpha motif domain containing 9 like; minus strand). Cytogenetic location: 7q21.2.
Variant type: single nucleotide variant.
Coding change: c.124G>T on transcript NM_152703.5 (MANE Select); coding-DNA position 124, G replaced by T.
Protein change: p.Val42Leu; replaces valine 42 with leucine.
Molecular consequence: missense variant.
Genome position (GRCh38, 1-based): chr7:93,135,848, C>A on the plus strand (G>T on the coding strand, the complement: SAMD9L is on the minus strand). VCF-style: chr7-93135848-C-A. GRCh37 (hg19) VCF-style: chr7-92765161-C-A.
Other names: c.124G>T, p.Val42Leu (NM_001303496.3, NM_001303497.3, NM_001303498.3 and 5 more transcripts); short protein forms V42L.
Identifiers: ClinVar variation 3437150 (VCV003437150.1).